The following is an entry in ClinVar:

ClinVar aggregate classification (germline): Benign/Likely benign. Review status: criteria provided, multiple submitters, no conflicts (2 of 4 stars). 4 submissions from 4 submitters: Benign (2); Likely benign (2). Last evaluated 2026-02-02.

Conditions:
Spermatogenic failure 46. Identifiers: MedGen C5436799, MONDO:0033673, OMIM 619095.
Primary ciliary dyskinesia. Also called: Ciliary dyskinesia. Identifiers: Orphanet 244, MedGen C0008780, MONDO:0016575, HP:0012265.

Allele frequency attached by ClinVar (database versions not stated): gnomAD 0.00440 and 0.00497; TOPMed 0.00486; ESP Exome Variant Server 0.00531; 1000 Genomes Project 30x 0.00609; 1000 Genomes Project 0.00639; gnomAD exomes 0.00680 and 0.00706; ExAC 0.00748.
gnomAD v4.1: 10,696 of 1,613,928 alleles (0.66%); highest among the groups gnomAD compares: South Asian, 2.2%; 75 homozygotes.

Submissions (4):

Labcorp Genetics (formerly Invitae), Labcorp
Classification: Benign for Primary ciliary dyskinesia. Last evaluated: 2026-02-02. Review status: criteria provided, single submitter. Criteria: Invitae Variant Classification Sherloc (09022015). Collection method: clinical testing. Allele origin: germline.

Mayo Clinic Laboratories, Mayo Clinic
Classification: Benign. Last evaluated: 2025-03-06. Review status: criteria provided, single submitter. Criteria: ACMG Guidelines, 2015. Collection method: clinical testing. Allele origin: germline. Observed: 1 variant allele.
Comment: BS1, BS2, BP4_moderate

Blueprint Genetics
Classification: Likely benign. Last evaluated: 2024-11-26. Review status: criteria provided, single submitter. Criteria: ACMG Guidelines, 2015. Collection method: clinical testing. Allele origin: germline.

Fulgent Genetics
Classification: Likely benign for Spermatogenic failure 46. Last evaluated: 2021-12-02. Review status: criteria provided, single submitter. Criteria: ACMG Guidelines, 2015. Collection method: clinical testing. Allele origin: unknown.

NM_001206927.2(DNAH8):c.4908G>T (p.Glu1636Asp)

Gene: DNAH8 (dynein axonemal heavy chain 8; plus strand). Cytogenetic location: 6p21.2.
Variant type: single nucleotide variant.
Coding change: c.4908G>T on transcript NM_001206927.2 (MANE Select); coding-DNA position 4908, G replaced by T.
Protein change: p.Glu1636Asp; replaces glutamic acid 1636 with aspartic acid.
Molecular consequence: missense variant.
Genome position (GRCh38, 1-based): chr6:38,845,636, G>T. VCF-style: chr6-38845636-G-T. GRCh37 (hg19) VCF-style: chr6-38813412-G-T.
Other names: p.Glu1636Asp; c.4257G>T, p.Glu1419Asp (NM_001371.4); short protein forms E1636D, E1419D.
Identifiers: ClinVar variation 238649 (VCV000238649.14), dbSNP rs61757219, ClinGen allele CA3789237.